The following is an entry in ClinVar:

NM_053025.4(MYLK):c.2463G>T (p.Arg821=)

Gene: MYLK (myosin light chain kinase; minus strand). Cytogenetic location: 3q21.1.
Variant type: single nucleotide variant.
Coding change: c.2463G>T on transcript NM_053025.4 (MANE Select); coding-DNA position 2463, G replaced by T.
Protein change: p.Arg821=; no amino-acid change (arginine 821 retained).
Molecular consequence: synonymous variant.
Genome position (GRCh38, 1-based): chr3:123,701,005, C>A on the plus strand (G>T on the coding strand, the complement: MYLK is on the minus strand). VCF-style: chr3-123701005-C-A. GRCh37 (hg19) VCF-style: chr3-123419852-C-A.
Other names: c.1935G>T, p.Arg645= (NM_001321309.2); c.2256G>T, p.Arg752= (NM_053026.4, NM_053028.4); c.2463G>T, p.Arg821= (NM_053027.4).
Identifiers: ClinVar variation 471711 (VCV000471711.5), dbSNP rs562829000, ClinGen allele CA82925644.

ClinVar aggregate classification (germline): Conflicting classifications of pathogenicity. Review status: criteria provided, conflicting classifications (1 of 4 stars). 2 submissions from 2 submitters: Uncertain significance (1); Likely benign (1). Last evaluated 2026-08-01.

Conditions:
Aortic aneurysm, familial thoracic 7 (AAT7). Also called: AORTIC DISSECTION, FAMILIAL, WITH OR WITHOUT AORTIC ANEURYSM. Identifiers: MedGen C3151077, MONDO:0013418, OMIM 613780.

gnomAD v4.1: 2 of 1,603,268 alleles (0.00012%); highest among the groups gnomAD compares: Non-Finnish European, 0.00017%; no homozygotes.

Submissions (2):

CeGaT Center for Human Genetics Tuebingen
Classification: Likely benign. Last evaluated: 2026-08-01. Review status: criteria provided, single submitter. Criteria: CeGaT Center For Human Genetics Tuebingen Variant Classification Criteria Version 2. Collection method: clinical testing. Allele origin: germline. Affected: yes. Observed: 1 variant allele.
Comment: MYLK: BP4, BP7

Labcorp Genetics (formerly Invitae), Labcorp
Classification: Uncertain significance for Aortic aneurysm, familial thoracic 7. Last evaluated: 2017-06-27. Review status: criteria provided, single submitter. Criteria: Invitae Variant Classification Sherloc (09022015). Collection method: clinical testing. Allele origin: germline.
Comment: This sequence change affects codon 821 of the MYLK mRNA. It is a 'silent' change, meaning that it does not change the encoded amino acid sequence of the MYLK protein. This variant is not present in population databases (ExAC no frequency). This variant has not been reported in the literature in individuals with MYLK-related disease. Algorithms developed to predict the effect of sequence changes on RNA splicing suggest that this variant may disrupt the consensus splice site, but this prediction has not been confirmed by published transcriptional studies. In summary, the available evidence is currently insufficient to determine the role of this variant in disease. Therefore, it has been classified as a Variant of Uncertain Significance.